The following is an entry in ClinVar:

NM_020778.5(ALPK3):c.26G>A (p.Arg9Gln)

Gene: ALPK3 (alpha kinase 3; plus strand). Cytogenetic location: 15q25.3.
Variant type: single nucleotide variant.
Coding change: c.26G>A on transcript NM_020778.5 (MANE Select); coding-DNA position 26, G replaced by A.
Protein change: p.Arg9Gln; replaces arginine 9 with glutamine.
Molecular consequence: missense variant.
Genome position (GRCh38, 1-based): chr15:84,817,478, G>A. VCF-style: chr15-84817478-G-A. GRCh37 (hg19) VCF-style: chr15-85360709-G-A.
Other names: short protein forms R9Q.
Identifiers: ClinVar variation 1331242 (VCV001331242.4), dbSNP rs759651543, ClinGen allele CA393369314.
Genomic context (GRCh38, chr15:84,817,478, plus strand): 5'-CGAGTGCGGGGCCGGCGGTCGGGGAGGGCGGTGCCATGGGGTCGCGGAGGGCCCCCAGCC[G>A]GGGCTGGGGCGCGGGTGGGCGGTCGGGGGCGGGGGGCGACGGTGAGGACGACGGCCCCGT-3'
Protein context (NP_065829.4, residues 1-19): MGSRRAPS[Arg9Gln]GWGAGGRSGA

ClinVar aggregate classification (germline): Uncertain significance. Review status: criteria provided, multiple submitters, no conflicts (2 of 4 stars). 2 submissions from 2 submitters: Uncertain significance (2). Last evaluated 2022-10-23.

Conditions:
Cardiovascular phenotype. Identifiers: MedGen CN230736.

Allele frequency attached by ClinVar (database versions not stated): gnomAD 0.00001.

Submissions (2):

Ambry Genetics
Classification: Uncertain significance for Cardiovascular phenotype. Last evaluated: 2022-10-23. Review status: criteria provided, single submitter. Criteria: Ambry Variant Classification Scheme 2023. Collection method: clinical testing. Allele origin: germline.
Comment: The p.R211Q variant (also known as c.632G>A), located in coding exon 1 of the ALPK3 gene, results from a G to A substitution at nucleotide position 632. The arginine at codon 211 is replaced by glutamine, an amino acid with highly similar properties. This amino acid position is conserved. In addition, this alteration is predicted to be tolerated by in silico analysis. Since supporting evidence is limited at this time, the clinical significance of this alteration remains unclear.

GeneDx
Classification: Uncertain significance. Last evaluated: 2021-06-30. Review status: criteria provided, single submitter. Criteria: GeneDx Variant Classification Process June 2021. Collection method: clinical testing. Allele origin: germline. Affected: yes.
Comment: Has not been previously published as pathogenic or benign to our knowledge; Not observed at significant frequency in large population cohorts (Lek et al., 2016); In silico analysis supports that this missense variant does not alter protein structure/function; This variant is associated with the following publications: (PMID: 27535533)